The following is an entry in ClinVar:

ClinVar aggregate classification (germline): Uncertain significance (1 of 4 stars; one submission).

Conditions:
Duchenne muscular dystrophy (DMD). Also called: MUSCULAR DYSTROPHY, PSEUDOHYPERTROPHIC PROGRESSIVE, DUCHENNE TYPE; Duchenne Muscular Dystrophy (DMD). Identifiers: Orphanet 98896, MedGen C0013264, MONDO:0010679, OMIM 310200.

gnomAD v4.1: 1 of 1,209,888 alleles (0.000083%); highest among the groups gnomAD compares: African/African-American, 0.0017%; no homozygotes.

Submission:

Labcorp Genetics (formerly Invitae), Labcorp
Classification: Uncertain significance for Duchenne muscular dystrophy. Last evaluated: 2025-02-26. Review status: criteria provided, single submitter. Criteria: Invitae Variant Classification Sherloc (09022015). Collection method: clinical testing. Allele origin: germline.
Comment: This sequence change replaces alanine, which is neutral and non-polar, with serine, which is neutral and polar, at codon 1964 of the DMD protein (p.Ala1964Ser). The frequency data for this variant in the population databases is considered unreliable, as metrics indicate poor data quality at this position in the gnomAD database. This variant has not been reported in the literature in individuals affected with DMD-related conditions. Invitae Evidence Modeling of protein sequence and biophysical properties (such as structural, functional, and spatial information, amino acid conservation, physicochemical variation, residue mobility, and thermodynamic stability) indicates that this missense variant is not expected to disrupt DMD protein function with a negative predictive value of 95%. In summary, the available evidence is currently insufficient to determine the role of this variant in disease. Therefore, it has been classified as a Variant of Uncertain Significance.

NM_004006.3(DMD):c.5890G>T (p.Ala1964Ser)

Gene: DMD (dystrophin; minus strand). Cytogenetic location: Xp21.1.
Variant type: single nucleotide variant.
Coding change: c.5890G>T on transcript NM_004006.3 (MANE Select); coding-DNA position 5890, G replaced by T.
Protein change: p.Ala1964Ser; replaces alanine 1964 with serine.
Molecular consequence: missense variant.
Genome position (GRCh38, 1-based): chrX:32,342,132, C>A on the plus strand (G>T on the coding strand, the complement: DMD is on the minus strand). VCF-style: chrX-32342132-C-A. GRCh37 (hg19) VCF-style: chrX-32360249-C-A.
Other names: c.5866G>T, p.Ala1956Ser (NM_000109.4); c.5878G>T, p.Ala1960Ser (NM_004009.3); c.5521G>T, p.Ala1841Ser (NM_004010.3); c.1867G>T, p.Ala623Ser (NM_004011.4); c.1858G>T, p.Ala620Ser (NM_004012.4); short protein forms A1964S, A620S, A1956S, A623S, A1841S, A1960S.
Identifiers: ClinVar variation 4763899 (VCV004763899.1).